The following is an entry in ClinVar:

ClinVar aggregate classification (germline): Conflicting classifications of pathogenicity. Review status: criteria provided, conflicting classifications (1 of 4 stars). 7 submissions from 7 submitters: Uncertain significance (5); Likely benign (2). Last evaluated 2026-01-25.

Conditions:
CACNB2-related disorder. Also called: CACNB2-related condition.
Cardiovascular phenotype. Identifiers: MedGen CN230736.
Brugada syndrome 4 (BRGDA4). Identifiers: Orphanet 130, MedGen C2678477, MONDO:0012743, OMIM 611876.
Hypertrophic cardiomyopathy. Also called: HYPERTROPHIC MYOCARDIOPATHY. Identifiers: Orphanet 217569, MedGen C0007194, MeSH D002312, MONDO:0005045, HP:0001639.

Allele frequency attached by ClinVar (database versions not stated): ExAC 0.00019; gnomAD exomes 0.00021 and 0.00055; gnomAD 0.00026; TOPMed 0.00028; ESP Exome Variant Server 0.00038.
gnomAD v4.1: 843 of 1,614,012 alleles (0.052%); highest among the groups gnomAD compares: Non-Finnish European, 0.067%; no homozygotes.

Submissions (7):

Labcorp Genetics (formerly Invitae), Labcorp
Classification: Uncertain significance for Brugada syndrome 4. Last evaluated: 2026-01-25. Review status: criteria provided, single submitter. Criteria: Invitae Variant Classification Sherloc (09022015). Collection method: clinical testing. Allele origin: germline.
Comment: This sequence change replaces leucine, which is neutral and non-polar, with phenylalanine, which is neutral and non-polar, at codon 399 of the CACNB2 protein (p.Leu399Phe). This variant is present in population databases (rs145638628, gnomAD 0.04%), and has an allele count higher than expected for a pathogenic variant. This missense change has been observed in individual(s) with Brugada syndrome (PMID: 20817017, 22090166, 27711072). ClinVar contains an entry for this variant (Variation ID: 402474). Invitae Evidence Modeling of protein sequence and biophysical properties (such as structural, functional, and spatial information, amino acid conservation, physicochemical variation, residue mobility, and thermodynamic stability) has been performed for this missense variant. However, the output from this modeling did not meet the statistical confidence thresholds required to predict the impact of this variant on CACNB2 protein function. In summary, the available evidence is currently insufficient to determine the role of this variant in disease. Therefore, it has been classified as a Variant of Uncertain Significance.

PreventionGenetics, part of Exact Sciences
Classification: Likely benign for CACNB2-related condition. Last evaluated: 2025-04-16. Review status: criteria provided, single submitter. Criteria: ACMG Guidelines, 2015. Collection method: clinical testing. Allele origin: germline.
Comment: This variant is classified as likely benign based on ACMG/AMP sequence variant interpretation guidelines (Richards et al. 2015 PMID: 25741868, with internal and published modifications).

Mayo Clinic Laboratories, Mayo Clinic
Classification: Uncertain significance. Last evaluated: 2024-01-11. Review status: criteria provided, single submitter. Criteria: ACMG Guidelines, 2015. Collection method: clinical testing. Allele origin: germline. Observed: 1 variant allele.
Comment: BP5, PP3

Ambry Genetics
Classification: Likely benign for Cardiovascular phenotype. Last evaluated: 2022-06-02. Review status: criteria provided, single submitter. Criteria: Ambry Variant Classification Scheme 2023. Collection method: clinical testing. Allele origin: germline.

Department of Pathology and Laboratory Medicine, Sinai Health System
Classification: Uncertain significance for hypertrophic cardiomyopathy. Last evaluated: 2022-02-25. Review status: criteria provided, single submitter. Criteria: ACMG Guidelines, 2015. Collection method: research. Allele origin: germline.

Fulgent Genetics
Classification: Uncertain significance for Brugada syndrome 4. Last evaluated: 2021-11-18. Review status: criteria provided, single submitter. Criteria: ACMG Guidelines, 2015. Collection method: clinical testing. Allele origin: unknown.

Laboratory for Molecular Medicine, Mass General Brigham Personalized Medicine
Classification: Uncertain significance. Last evaluated: 2016-06-23. Review status: criteria provided, single submitter. Criteria: LMM Criteria. Collection method: clinical testing. Allele origin: germline.
Comment: Variant identified in a genome or exome case(s) and assessed due to predicted null impact of the variant or pathogenic assertions in the literature or databases. Disclaimer: This variant has not undergone full assessment. The following are preliminary notes: Reported in 2 probands and in ESP. Possibly in cis with variant above (similar ExAC frequencies)

Literature cited by the submitters: PubMed 20817017 (cited by 3 submitters); PubMed 22090166 (cited by 3 submitters); PubMed 27711072 (cited by 3 submitters); PubMed 23414114 (cited by Mayo Clinic Laboratories, Mayo Clinic and Ambry Genetics); PubMed 30821013 (cited by Mayo Clinic Laboratories, Mayo Clinic); PubMed 30847666 (cited by Ambry Genetics).

NM_201596.3(CACNB2):c.1357C>T (p.Leu453Phe)

Gene: CACNB2 (calcium voltage-gated channel auxiliary subunit beta 2; plus strand). Cytogenetic location: 10p12.31.
Variant type: single nucleotide variant.
Coding change: c.1357C>T on transcript NM_201596.3 (MANE Select); coding-DNA position 1357, C replaced by T.
Protein change: p.Leu453Phe; replaces leucine 453 with phenylalanine.
Molecular consequence: missense variant.
Genome position (GRCh38, 1-based): chr10:18,538,234, C>T. VCF-style: chr10-18538234-C-T. GRCh37 (hg19) VCF-style: chr10-18827163-C-T.
Other names: p.Leu399Phe; c.1192C>T, p.Leu398Phe (NM_000724.4); c.1159C>T, p.Leu387Phe (NM_001167945.2); c.1078C>T, p.Leu360Phe (NM_001330060.2); c.1213C>T, p.Leu405Phe (NM_201570.3); c.1273C>T, p.Leu425Phe (NM_201571.4); c.1201C>T, p.Leu401Phe (NM_201572.4); c.1195C>T, p.Leu399Phe (NM_201590.3); and 2 more; short protein forms L399F, L453F, L360F, L405F, L398F, L401F, L429F, L415F.
Identifiers: ClinVar variation 402474 (VCV000402474.14), dbSNP rs145638628, ClinGen allele CA5430011.